The following is an entry in ClinVar:

NM_000337.6(SGCD):c.793G>A (p.Val265Ile)

Gene: SGCD (sarcoglycan delta; plus strand). Cytogenetic location: 5q33.3.
Variant type: single nucleotide variant.
Coding change: c.793G>A on transcript NM_000337.6 (MANE Select); coding-DNA position 793, G replaced by A.
Protein change: p.Val265Ile; replaces valine 265 with isoleucine.
Molecular consequence: missense variant.
Genome position (GRCh38, 1-based): chr5:156,759,310, G>A. VCF-style: chr5-156759310-G-A. GRCh37 (hg19) VCF-style: chr5-156186321-G-A.
Other names: p.Val265Ile; c.790G>A, p.Val264Ile (NM_001128209.2); short protein forms V265I, V264I.
Identifiers: ClinVar variation 449229 (VCV000449229.19), dbSNP rs772185467, ClinGen allele CA3530698.

ClinVar aggregate classification (germline): Conflicting classifications of pathogenicity. Review status: criteria provided, conflicting classifications (1 of 4 stars). 7 submissions from 7 submitters: Uncertain significance (6); Likely benign (1). Last evaluated 2025-02-21.

Conditions:
Inborn genetic diseases. Identifiers: MedGen C0950123, MeSH D030342.
Autosomal recessive limb-girdle muscular dystrophy type 2F (LGMDR6). Also called: Muscular dystrophy limb-girdle with delta-sarcoglyan deficiency; MUSCULAR DYSTROPHY, LIMB-GIRDLE, AUTOSOMAL RECESSIVE 6. Identifiers: Orphanet 219, MedGen C1832525, MONDO:0011028, OMIM 601287. Disease mechanism: Affects gamma-sarcoglycan and also disrupts the integrity of the entire sarcoglycan complex..

Allele frequency attached by ClinVar (database versions not stated): gnomAD 0.00009 and 0.00010; ExAC 0.00016; gnomAD exomes 0.00021 and 0.00011; TOPMed 0.00009.
gnomAD v4.1: 315 of 1,613,430 alleles (0.02%); highest among the groups gnomAD compares: Non-Finnish European, 0.025%; no homozygotes.

Submissions (7):

Mayo Clinic Laboratories, Mayo Clinic
Classification: Uncertain significance. Last evaluated: 2025-02-21. Review status: criteria provided, single submitter. Criteria: ACMG Guidelines, 2015. Collection method: clinical testing. Allele origin: germline. Observed: 1 variant allele.
Comment: PP3

Ambry Genetics
Classification: Uncertain significance for Inborn genetic diseases. Last evaluated: 2025-02-10. Review status: criteria provided, single submitter. Criteria: Ambry Variant Classification Scheme 2023. Collection method: clinical testing. Allele origin: germline.
Comment: The p.V265I variant (also known as c.793G>A), located in coding exon 8 of the SGCD gene, results from a G to A substitution at nucleotide position 793. The valine at codon 265 is replaced by isoleucine, an amino acid with highly similar properties. This amino acid position is conserved. In addition, the in silico prediction for this alteration is inconclusive. Since supporting evidence is limited at this time, the clinical significance of this alteration remains unclear.

Labcorp Genetics (formerly Invitae), Labcorp
Classification: Uncertain significance for Autosomal recessive limb-girdle muscular dystrophy type 2F. Last evaluated: 2022-08-23. Review status: criteria provided, single submitter. Criteria: Invitae Variant Classification Sherloc (09022015). Collection method: clinical testing. Allele origin: germline.
Comment: This sequence change replaces valine, which is neutral and non-polar, with isoleucine, which is neutral and non-polar, at codon 265 of the SGCD protein (p.Val265Ile). This variant is present in population databases (rs772185467, gnomAD 0.02%). This variant has not been reported in the literature in individuals affected with SGCD-related conditions. ClinVar contains an entry for this variant (Variation ID: 449229). Algorithms developed to predict the effect of missense changes on protein structure and function (SIFT, PolyPhen-2, Align-GVGD) all suggest that this variant is likely to be tolerated. In summary, the available evidence is currently insufficient to determine the role of this variant in disease. Therefore, it has been classified as a Variant of Uncertain Significance.

GeneDx
Classification: Uncertain significance. Last evaluated: 2022-03-09. Review status: criteria provided, single submitter. Criteria: GeneDx Variant Classification Process June 2021. Collection method: clinical testing. Allele origin: germline. Affected: yes.
Comment: Has not been previously published as pathogenic or benign to our knowledge; Identified in conjunction with additional variants in individuals referred for cardiac genetic testing at GeneDx; segregation data is limited or absent at this time; In silico analysis, which includes protein predictors and evolutionary conservation, supports that this variant does not alter protein structure/function; Reported in ClinVar as a variant of uncertain significance (ClinVar Variant ID# 449229; ClinVar)

Women's Health and Genetics/Laboratory Corporation of America, LabCorp
Classification: Likely benign. Last evaluated: 2019-06-24. Review status: criteria provided, single submitter. Criteria: LabCorp Variant Classification Summary - May 2015. Collection method: clinical testing. Allele origin: germline.
Comment: Variant summary: SGCD c.793G>A (p.Val265Ile) results in a conservative amino acid change in the encoded protein sequence. Three of five in-silico tools predict a damaging effect of the variant on protein function. The variant allele was found at a frequency of 0.00011 in 248936 control chromosomes, predominantly at a frequency of 0.00021 within the Non-Finnish European subpopulation in the gnomAD database. The observed variant frequency within Non-Finnish European control individuals in the gnomAD database is approximately 8 fold of the estimated maximal expected allele frequency for a pathogenic variant in SGCD causing Cardiomyopathy phenotype (2.5e-05), strongly suggesting that the variant is a benign polymorphism found primarily in populations of Non-Finnish European origin. To our knowledge, no occurrence of c.793G>A in individuals affected with Cardiomyopathy and no experimental evidence demonstrating its impact on protein function have been reported. Three submitters have provided clinical-significance assessments for this variant to ClinVar after 2014 and classified the variant as uncertain significance. Based on the evidence outlined above, the variant was classified as likely benign.

Revvity Omics, Revvity
Classification: Uncertain significance. Last evaluated: 2019-03-27. Review status: criteria provided, single submitter. Criteria: ACMG Guidelines, 2015. Collection method: clinical testing. Allele origin: germline.

Eurofins Ntd Llc (ga)
Classification: Uncertain significance. Last evaluated: 2017-11-16. Review status: criteria provided, single submitter. Criteria: EGL Classification Definitions 2015. Collection method: clinical testing. Allele origin: germline. Observed: 1 variant allele, 1 heterozygote.